The following is an entry in ClinVar:

NM_001953.5(TYMP):c.131G>C (p.Arg44Pro)

Gene: TYMP (thymidine phosphorylase; minus strand). Cytogenetic location: 22q13.33.
Variant type: single nucleotide variant.
Coding change: c.131G>C on transcript NM_001953.5 (MANE Select); coding-DNA position 131, G replaced by C.
Protein change: p.Arg44Pro; replaces arginine 44 with proline.
Molecular consequence: missense variant.
Genome position (GRCh38, 1-based): chr22:50,529,579, C>G on the plus strand (G>C on the coding strand, the complement: TYMP is on the minus strand). VCF-style: chr22-50529579-C-G. GRCh37 (hg19) VCF-style: chr22-50968008-C-G.
Other names: c.131G>C, p.Arg44Pro (NM_001113755.3, NM_001113756.3, NM_001257988.1 and 1 more transcripts); short protein forms R44P.
Identifiers: ClinVar variation 991427 (VCV000991427.2), dbSNP rs28931613, ClinGen allele CA412202712.

ClinVar aggregate classification (germline): Likely pathogenic. Review status: criteria provided, single submitter (1 of 4 stars). 2 submissions from 2 submitters: Likely pathogenic (1). 1 of the submissions does not count toward it. Last evaluated 2026-08-14.

Conditions:
Mitochondrial DNA depletion syndrome 1. Also called: Mitochondrial DNA depletion syndrome 1 (MNGIE type); Mitochondrial Neurogastrointestinal Encephalopathy Disease; MITOCHONDRIAL NEUROGASTROINTESTINAL ENCEPHALOPATHY SYNDROME, TYMP-RELATED; MNGIE, TYMP-RELATED; POLIP SYNDROME; POLYNEUROPATHY, OPHTHALMOPLEGIA, LEUKOENCEPHALOPATHY, AND INTESTINAL PSEUDOOBSTRUCTION. Identifiers: Orphanet 298, MedGen C4551995, MONDO:0011283, OMIM 603041.
Mitochondrial neurogastrointestinal encephalomyopathy. Also called: Mitochondrial neurogastrointestinal encephalopathy syndrome; MNGIE syndrome; Thymidine phosphorylase deficiency. Identifiers: Orphanet 298, MedGen C0872218, MONDO:0017575.

gnomAD v4.1: 3 of 1,613,182 alleles (0.00019%); highest among the groups gnomAD compares: Non-Finnish European, 0.00025%; no homozygotes.

Submissions (2):

Myriad Genetics, Inc.
Classification: Likely pathogenic for Mitochondrial DNA depletion syndrome 1. Last evaluated: 2026-08-14. Review status: criteria provided, single submitter. Criteria: Myriad Autosomal Dominant, Autosomal Recessive and X-Linked Classification Criteria (2023). Collection method: clinical testing. Allele origin: unknown.
Comment: NM_001953.4(TYMP):c.131G>C(R44P) is a missense variant classified as likely pathogenic in the context of mitochondrial neurogastrointestinal encephalopathy disease. R44P has been observed in cases with relevant disease (PMID: 40826089, 41881137, 42310839, Dan_2023_(Article)). Relevant functional assessments of this variant are not available in the literature. Internal structural analysis of the variant is supportive of pathogenicity. R44P has not been observed in referenced population frequency databases. In summary, NM_001953.4(TYMP):c.131G>C(R44P) is a missense variant that has internal structural support for pathogenicity and has been observed more frequently in cases with the relevant disease than in healthy populations. Please note: this variant was assessed in the context of healthy population screening.

Natera, Inc.
Classification: Uncertain significance for Mitochondrial neurogastrointestinal encephalomyopathy. Last evaluated: 2020-09-04. Review status: no assertion criteria provided. Collection method: clinical testing. Allele origin: germline. Not counted in ClinVar's aggregate classification.